The following is an entry in ClinVar:

NM_014806.5(RUSC2):c.2414C>T (p.Pro805Leu)

Gene: RUSC2 (RUN and SH3 domain containing 2; plus strand). Cytogenetic location: 9p13.3.
Variant type: single nucleotide variant.
Coding change: c.2414C>T on transcript NM_014806.5 (MANE Select); coding-DNA position 2414, C replaced by T.
Protein change: p.Pro805Leu; replaces proline 805 with leucine.
Molecular consequence: missense variant. On other transcripts: 5 prime UTR variant (1), non-coding transcript variant (1).
Genome position (GRCh38, 1-based): chr9:35,555,459, C>T. VCF-style: chr9-35555459-C-T. GRCh37 (hg19) VCF-style: chr9-35555456-C-T.
Other names: c.2414C>T, p.Pro805Leu (NM_001135999.2); c.-221C>T (NM_001330740.2); short protein forms P805L.
Identifiers: ClinVar variation 1486764 (VCV001486764.6), dbSNP rs1466010960, ClinGen allele CA373341558.

ClinVar aggregate classification (germline): Uncertain significance (1 of 4 stars; one submission).

Submission:

Labcorp Genetics (formerly Invitae), Labcorp
Classification: Uncertain significance. Last evaluated: 2021-11-04. Review status: criteria provided, single submitter. Criteria: Invitae Variant Classification Sherloc (09022015). Collection method: clinical testing. Allele origin: germline.
Comment: In summary, the available evidence is currently insufficient to determine the role of this variant in disease. Therefore, it has been classified as a Variant of Uncertain Significance. Algorithms developed to predict the effect of missense changes on protein structure and function are either unavailable or do not agree on the potential impact of this missense change (SIFT: "Deleterious"; PolyPhen-2: "Benign"; Align-GVGD: "Class C25"). This variant has not been reported in the literature in individuals affected with RUSC2-related conditions. This variant is not present in population databases (gnomAD no frequency). This sequence change replaces proline, which is neutral and non-polar, with leucine, which is neutral and non-polar, at codon 805 of the RUSC2 protein (p.Pro805Leu).